The following is an entry in ClinVar:

NM_001387430.1(SH2B1):c.680G>C (p.Arg227Pro)

Gene: SH2B1 (SH2B adaptor protein 1; plus strand). Cytogenetic location: 16p11.2.
Variant type: single nucleotide variant.
Coding change: c.680G>C on transcript NM_001387430.1 (MANE Select); coding-DNA position 680, G replaced by C.
Protein change: p.Arg227Pro; replaces arginine 227 with proline.
Molecular consequence: missense variant. On other transcripts: intron variant (1).
Genome position (GRCh38, 1-based): chr16:28,866,774, G>C. VCF-style: chr16-28866774-G-C. GRCh37 (hg19) VCF-style: chr16-28878095-G-C.
Other names: c.680G>C, p.Arg227Pro (NM_001145795.2, NM_001145796.2, NM_001145797.2 and 4 more transcripts); c.-26-600G>C (NM_001308294.2); short protein forms R227P.
Identifiers: ClinVar variation 1695639 (VCV001695639.3), dbSNP rs201621467, ClinGen allele CA395424022.

ClinVar aggregate classification (germline): Uncertain significance (1 of 4 stars; one submission).

Submission:

GeneDx
Classification: Uncertain significance. Last evaluated: 2024-08-12. Review status: criteria provided, single submitter. Criteria: GeneDx Variant Classification Process June 2021. Collection method: clinical testing. Allele origin: germline. Affected: yes.
Comment: Not observed at significant frequency in large population cohorts (gnomAD); In silico analysis indicates that this missense variant does not alter protein structure/function; Has not been previously published as pathogenic or benign to our knowledge